The following is an entry in ClinVar:

ClinVar aggregate classification (germline): Benign/Likely benign. Review status: criteria provided, multiple submitters, no conflicts (2 of 4 stars). 13 submissions from 10 submitters: Benign (5); Likely benign (7). 1 of the submissions does not count toward it. Last evaluated 2026-01-09.

Conditions:
Congenital myopathy 18. Also called: Myopathy, congenital, due to dihydropyridine receptor defect; DIHYDROPYRIDINE RECEPTOR CONGENITAL MYOPATHY; DHPR CONGENITAL MYOPATHY. Identifiers: MedGen C5830283, MONDO:0859514, OMIM 620246.
Hypokalemic periodic paralysis, type 1. Also called: Hypokalemic Periodic Paralysis Type 1 (AD); HypoPP. Identifiers: Orphanet 681, MedGen C3714580, MONDO:0042979, OMIM 170400.
Malignant hyperthermia, susceptibility to, 5 (MHS5). Also called: CACNA1S-Related Malignant Hyperthermia Susceptibility. Identifiers: Orphanet 423, MedGen C1866077, MONDO:0011163, OMIM 601887.
Thyrotoxic periodic paralysis, susceptibility to, 1 (TTPP1). Identifiers: Orphanet 79102, MedGen C2749982, MONDO:0008570, OMIM 188580.
Inborn genetic diseases. Identifiers: MedGen C0950123, MeSH D030342.
CACNA1S-related disorder. Also called: CACNA1S-related condition.

Allele frequency attached by ClinVar (database versions not stated): gnomAD 0.00003; gnomAD exomes 0.00005 and 0.00013; TOPMed 0.00006; ExAC 0.00016; ESP Exome Variant Server 0.00031.
gnomAD v4.1: 81 of 1,614,080 alleles (0.005%); highest among the groups gnomAD compares: South Asian, 0.027%; 1 homozygote.

Submissions (13):

Ambry Genetics
Classification: Likely benign for Inborn genetic diseases. Last evaluated: 2026-01-09. Review status: criteria provided, single submitter. Criteria: Ambry Variant Classification Scheme 2023. Collection method: clinical testing. Allele origin: germline.

Labcorp Genetics (formerly Invitae), Labcorp
Classification: Likely benign for Hypokalemic periodic paralysis, type 1; Malignant hyperthermia, susceptibility to, 5. Last evaluated: 2025-04-27. Review status: criteria provided, single submitter. Criteria: Invitae Variant Classification Sherloc (09022015). Collection method: clinical testing. Allele origin: germline.

Blueprint Genetics
Classification: Likely benign. Last evaluated: 2024-06-17. Review status: criteria provided, single submitter. Criteria: ACMG Guidelines, 2015. Collection method: clinical testing. Allele origin: germline.

All of Us Research Program, National Institutes of Health
Classification: Likely benign for Malignant hyperthermia, susceptibility to, 5. Last evaluated: 2023-12-01. Review status: criteria provided, single submitter. Criteria: ACMG Guidelines, 2015. Collection method: clinical testing. Allele origin: germline. Inheritance: Autosomal dominant inheritance. Observed: 7 variant alleles, 7 heterozygotes.
Comment: This study involves interpretation of variants in research participants for the purpose of population health screening. Participant phenotype was not available at the time of variant classification. Additional details can be found in publication PMID: 35346344, PMCID: PMC8962531

Genome-Nilou Lab
Classification: Benign for Malignant hyperthermia, susceptibility to, 5. Last evaluated: 2023-04-11. Review status: criteria provided, single submitter. Criteria: ACMG Guidelines, 2015. Collection method: clinical testing. Allele origin: germline. Affected: no.

Genome-Nilou Lab
Classification: Benign for Thyrotoxic periodic paralysis, susceptibility to, 1. Last evaluated: 2023-04-11. Review status: criteria provided, single submitter. Criteria: ACMG Guidelines, 2015. Collection method: clinical testing. Allele origin: germline. Affected: no.

Genome-Nilou Lab
Classification: Benign for Congenital myopathy 18. Last evaluated: 2023-04-11. Review status: criteria provided, single submitter. Criteria: ACMG Guidelines, 2015. Collection method: clinical testing. Allele origin: germline. Affected: no.

Genome-Nilou Lab
Classification: Benign for Hypokalemic periodic paralysis, type 1. Last evaluated: 2023-04-11. Review status: criteria provided, single submitter. Criteria: ACMG Guidelines, 2015. Collection method: clinical testing. Allele origin: germline. Affected: no.

Color Diagnostics, LLC DBA Color Health
Classification: Likely benign for Malignant hyperthermia, susceptibility to, 5. Last evaluated: 2022-12-06. Review status: criteria provided, single submitter. Criteria: ACMG Guidelines, 2015. Collection method: clinical testing. Allele origin: germline.

Fulgent Genetics
Classification: Likely benign for Hypokalemic periodic paralysis, type 1; Thyrotoxic periodic paralysis, susceptibility to, 1; Malignant hyperthermia, susceptibility to, 5. Last evaluated: 2022-02-19. Review status: criteria provided, single submitter. Criteria: ACMG Guidelines, 2015. Collection method: clinical testing. Allele origin: unknown.

CeGaT Center for Human Genetics Tuebingen
Classification: Likely benign. Last evaluated: 2021-12-01. Review status: criteria provided, single submitter. Criteria: CeGaT Center For Human Genetics Tuebingen Variant Classification Criteria Version 2. Collection method: clinical testing. Allele origin: germline. Affected: yes. Observed: 2 variant alleles.

Illumina Laboratory Services, Illumina
Classification: Benign for Hypokalemic periodic paralysis, type 1. Last evaluated: 2018-03-14. Review status: criteria provided, single submitter. Criteria: ICSL Variant Classification Criteria 13 December 2019. Collection method: clinical testing. Allele origin: germline.
Comment: This variant was observed in the ICSL laboratory as part of a predisposition screen in an ostensibly healthy population. It had not been previously curated by ICSL or reported in the Human Gene Mutation Database (HGMD: prior to June 1st, 2018), and was therefore a candidate for classification through an automated scoring system. Utilizing variant allele frequency, disease prevalence and penetrance estimates, and inheritance mode, an automated score was calculated to assess if this variant is too frequent to cause the disease. Based on the score and internal cut-off values, a variant classified as benign is not then subjected to further curation. The score for this variant resulted in a classification of benign for this disease.

PreventionGenetics, part of Exact Sciences
Classification: Likely benign for CACNA1S-related condition. Last evaluated: 2019-07-09. Review status: no assertion criteria provided. Collection method: clinical testing. Allele origin: germline. Not counted in ClinVar's aggregate classification.
Comment: This variant is classified as likely benign based on ACMG/AMP sequence variant interpretation guidelines (Richards et al. 2015 PMID: 25741868, with internal and published modifications).

NM_000069.3(CACNA1S):c.225G>A (p.Pro75=)

Gene: CACNA1S (calcium voltage-gated channel subunit alpha1 S; minus strand). Cytogenetic location: 1q32.1.
Variant type: single nucleotide variant.
Coding change: c.225G>A on transcript NM_000069.3 (MANE Select); coding-DNA position 225, G replaced by A.
Protein change: p.Pro75=; no amino-acid change (proline 75 retained).
Molecular consequence: synonymous variant.
Genome position (GRCh38, 1-based): chr1:201,110,197, C>T on the plus strand (G>A on the coding strand, the complement: CACNA1S is on the minus strand). VCF-style: chr1-201110197-C-T. GRCh37 (hg19) VCF-style: chr1-201079325-C-T.
Identifiers: ClinVar variation 875859 (VCV000875859.54), dbSNP rs143816534, ClinGen allele CA078907.